The following is an entry in ClinVar:

ClinVar aggregate classification (germline): Uncertain significance (1 of 4 stars; one submission).

Submission:

Labcorp Genetics (formerly Invitae), Labcorp
Classification: Uncertain significance. Last evaluated: 2023-12-13. Review status: criteria provided, single submitter. Criteria: Invitae Variant Classification Sherloc (09022015). Collection method: clinical testing. Allele origin: germline.
Comment: This sequence change replaces asparagine, which is neutral and polar, with aspartic acid, which is acidic and polar, at codon 168 of the NAF1 protein (p.Asn168Asp). This variant is not present in population databases (gnomAD no frequency). This variant has not been reported in the literature in individuals affected with NAF1-related conditions. An algorithm developed to predict the effect of missense changes on protein structure and function (PolyPhen-2) suggests that this variant is likely to be tolerated. In summary, the available evidence is currently insufficient to determine the role of this variant in disease. Therefore, it has been classified as a Variant of Uncertain Significance.

NM_138386.3(NAF1):c.502A>G (p.Asn168Asp)

Gene: NAF1 (nuclear assembly factor 1 ribonucleoprotein; minus strand). Cytogenetic location: 4q32.2.
Variant type: single nucleotide variant.
Coding change: c.502A>G on transcript NM_138386.3 (MANE Select); coding-DNA position 502, A replaced by G.
Protein change: p.Asn168Asp; replaces asparagine 168 with aspartic acid.
Molecular consequence: missense variant.
Genome position (GRCh38, 1-based): chr4:163,164,255, T>C on the plus strand (A>G on the coding strand, the complement: NAF1 is on the minus strand). VCF-style: chr4-163164255-T-C. GRCh37 (hg19) VCF-style: chr4-164085407-T-C.
Other names: c.502A>G, p.Asn168Asp (NM_001128931.2); short protein forms N168D.
Identifiers: ClinVar variation 2878046 (VCV002878046.3), dbSNP rs2477342419, ClinGen allele CA358661137.